The following is an entry in ClinVar:

NM_000179.3(MSH6):c.3647-7_3647-6dup

Gene: MSH6 (mutS homolog 6; plus strand). Cytogenetic location: 2p16.3.
Variant type: Duplication.
Coding change: c.3647-7_3647-6dup on transcript NM_000179.3 (MANE Select); 7 bases into the intron before coding-DNA position 3647 through 6 bases into the intron before coding-DNA position 3647, 2 bases duplicated (TT; older notation c.3647-7_3647-6dupTT).
Molecular consequence: intron variant.
Genome position (GRCh38, 1-based): chr2:47,806,197-47,806,198, TT duplicated; duplicating any 2 consecutive bases within chr2:47,806,196-47,806,198 gives the same sequence; the c. name uses the placement nearest the transcript's 3' end. VCF-style (leftmost placement, unchanged base first): chr2-47806195-C-CTT. GRCh37 (hg19) VCF-style: chr2-48033334-C-CTT.
Other names: c.3647-7_3647-6dup (NM_001406809.1, NM_001406796.1, NM_001406808.1 and 1 more transcripts); c.2741-7_2741-6dup (NM_001406811.1, NM_001406814.1, NM_001281493.2 and 6 more transcripts); c.3350-7_3350-6dup (NM_001406805.1, NM_001406797.1, NM_001406801.1 and 10 more transcripts); c.3743-7_3743-6dup (NM_001406795.1, NM_001406802.1); c.3653-7_3653-6dup (NM_001406813.1); c.3122-7_3122-6dup (NM_001406807.1, NM_001406799.1, NM_001406806.1); c.3473-7_3473-6dup (NM_001406798.1); c.2783-7_2783-6dup (NM_001406803.1); and 7 more.
Identifiers: ClinVar variation 3904465 (VCV003904465.2).

ClinVar aggregate classification (germline): Likely benign. Review status: criteria provided, multiple submitters, no conflicts (2 of 4 stars). 2 submissions from 2 submitters: Likely benign (2). Last evaluated 2025-06-12.

Conditions:
Lynch syndrome 5 (LYNCH5). Also called: Colorectal cancer, hereditary nonpolyposis, type 5; Hereditary non-polyposis colorectal cancer, type 5. Identifiers: Orphanet 144, MedGen C1833477, MONDO:0013710, OMIM 614350. Disease mechanism: loss of function.
Hereditary nonpolyposis colorectal neoplasms. Identifiers: MedGen C0009405, MeSH D003123.

Submissions (2):

Labcorp Genetics (formerly Invitae), Labcorp
Classification: Likely benign for Hereditary nonpolyposis colorectal neoplasms. Last evaluated: 2025-06-12. Review status: criteria provided, single submitter. Criteria: Invitae Variant Classification Sherloc (09022015). Collection method: clinical testing. Allele origin: germline.

Myriad Genetics, Inc.
Classification: Likely benign for Lynch syndrome 5. Last evaluated: 2025-01-07. Review status: criteria provided, single submitter. Criteria: Myriad Autosomal Dominant, Autosomal Recessive and X-Linked Classification Criteria (2023). Collection method: clinical testing. Allele origin: unknown.
Comment: This variant is considered likely benign. This variant is intronic and is not expected to impact mRNA splicing.